The following is an entry in ClinVar:

NM_001282531.3(ADNP):c.880A>G (p.Asn294Asp)

Gene: ADNP (activity dependent neuroprotector homeobox; minus strand). Cytogenetic location: 20q13.13.
Variant type: single nucleotide variant.
Coding change: c.880A>G on transcript NM_001282531.3 (MANE Select); coding-DNA position 880, A replaced by G.
Protein change: p.Asn294Asp; replaces asparagine 294 with aspartic acid.
Molecular consequence: missense variant.
Genome position (GRCh38, 1-based): chr20:50,893,834, T>C on the plus strand (A>G on the coding strand, the complement: ADNP is on the minus strand). VCF-style: chr20-50893834-T-C. GRCh37 (hg19) VCF-style: chr20-49510371-T-C.
Other names: c.880A>G (NM_015339.2); c.880A>G, p.Asn294Asp (NM_001282532.2, NM_001347511.2, NM_015339.5 and 1 more transcripts); short protein forms N294D.
Identifiers: ClinVar variation 2094783 (VCV002094783.6), dbSNP rs1055988910, ClinGen allele CA315258130.

ClinVar aggregate classification (germline): Conflicting classifications of pathogenicity. Review status: criteria provided, conflicting classifications (1 of 4 stars). 3 submissions from 3 submitters: Uncertain significance (2); Likely benign (1). Last evaluated 2026-06-02.

Conditions:
Inborn genetic diseases. Identifiers: MedGen C0950123, MeSH D030342.

Allele frequency attached by ClinVar (database versions not stated): gnomAD 0.00001; gnomAD exomes below 0.00001; TOPMed 0.00001.
gnomAD v4.1: 2 of 1,614,094 alleles (0.00012%); highest among the groups gnomAD compares: Non-Finnish European, 0.00017%; no homozygotes.

Submissions (3):

Women's Health and Genetics/Laboratory Corporation of America, LabCorp
Classification: Uncertain significance. Last evaluated: 2026-06-02. Review status: criteria provided, single submitter. Criteria: LabCorp Variant Classification Summary - May 2015. Collection method: clinical testing. Allele origin: germline.
Comment: Variant summary: ADNP c.880A>G (p.Asn294Asp) results in a conservative amino acid change in the encoded protein sequence. Algorithms developed to predict the effect of missense changes on protein structure and function are either unavailable or do not agree on the potential impact of this missense change. The variant was absent in 251358 control chromosomes. The available data on variant occurrences in the general population are insufficient to allow any conclusion about variant significance. To our knowledge, no occurrence of c.880A>G in individuals affected with ADNP-related conditions and no experimental evidence demonstrating its impact on protein function have been reported. ClinVar contains an entry for this variant (Variation ID: 2094783). Based on the evidence outlined above, the variant was classified as uncertain significance.

Ambry Genetics
Classification: Uncertain significance for Inborn genetic diseases. Last evaluated: 2024-01-17. Review status: criteria provided, single submitter. Criteria: Ambry Variant Classification Scheme 2023. Collection method: clinical testing. Allele origin: germline.

Labcorp Genetics (formerly Invitae), Labcorp
Classification: Likely benign. Last evaluated: 2022-08-15. Review status: criteria provided, single submitter. Criteria: Invitae Variant Classification Sherloc (09022015). Collection method: clinical testing. Allele origin: germline.